The following is an entry in ClinVar:

NM_002473.6(MYH9):c.3289G>T (p.Ala1097Ser)

Gene: MYH9 (myosin heavy chain 9; minus strand). Cytogenetic location: 22q12.3.
Variant type: single nucleotide variant.
Coding change: c.3289G>T on transcript NM_002473.6 (MANE Select); coding-DNA position 3289, G replaced by T.
Protein change: p.Ala1097Ser; replaces alanine 1097 with serine.
Molecular consequence: missense variant.
Genome position (GRCh38, 1-based): chr22:36,295,701, C>A on the plus strand (G>T on the coding strand, the complement: MYH9 is on the minus strand). VCF-style: chr22-36295701-C-A. GRCh37 (hg19) VCF-style: chr22-36691747-C-A.
Other names: c.3289G>T (NM_002473.4); short protein forms A1097S.
Identifiers: ClinVar variation 2789309 (VCV002789309.4), dbSNP rs1569535033, ClinGen allele CA411389084.

ClinVar aggregate classification (germline): Uncertain significance. Review status: criteria provided, multiple submitters, no conflicts (2 of 4 stars). 2 submissions from 2 submitters: Uncertain significance (2). Last evaluated 2024-11-18.

Allele frequency attached by ClinVar (database versions not stated): gnomAD exomes below 0.00001.
gnomAD v4.1: 4 of 1,613,256 alleles (0.00025%); highest among the groups gnomAD compares: East Asian, 0.0022%; no homozygotes.

Submissions (2):

GeneDx
Classification: Uncertain significance. Last evaluated: 2024-11-18. Review status: criteria provided, single submitter. Criteria: GeneDx Variant Classification Process June 2021. Collection method: clinical testing. Allele origin: germline. Affected: yes.
Comment: Not observed at significant frequency in large population cohorts (gnomAD); In silico analysis indicates that this missense variant does not alter protein structure/function; Has not been previously published as pathogenic or benign to our knowledge

Labcorp Genetics (formerly Invitae), Labcorp
Classification: Uncertain significance. Last evaluated: 2023-04-22. Review status: criteria provided, single submitter. Criteria: Invitae Variant Classification Sherloc (09022015). Collection method: clinical testing. Allele origin: germline.
Comment: In summary, the available evidence is currently insufficient to determine the role of this variant in disease. Therefore, it has been classified as a Variant of Uncertain Significance. Advanced modeling of protein sequence and biophysical properties (such as structural, functional, and spatial information, amino acid conservation, physicochemical variation, residue mobility, and thermodynamic stability) performed at Invitae indicates that this missense variant is not expected to disrupt MYH9 protein function. This variant has not been reported in the literature in individuals affected with MYH9-related conditions. This variant is not present in population databases (gnomAD no frequency). This sequence change replaces alanine, which is neutral and non-polar, with serine, which is neutral and polar, at codon 1097 of the MYH9 protein (p.Ala1097Ser).